The following is an entry in ClinVar:

NM_001389683.1(GOLGA3):c.2673C>T (p.His891=)

Gene: GOLGA3 (golgin A3; minus strand). Cytogenetic location: 12q24.33.
Variant type: single nucleotide variant.
Coding change: c.2673C>T on transcript NM_001389683.1 (MANE Select); coding-DNA position 2673, C replaced by T.
Protein change: p.His891=; no amino-acid change (histidine 891 retained).
Molecular consequence: synonymous variant.
Genome position (GRCh38, 1-based): chr12:132,789,165, G>A on the plus strand (C>T on the coding strand, the complement: GOLGA3 is on the minus strand). VCF-style: chr12-132789165-G-A. GRCh37 (hg19) VCF-style: chr12-133365751-G-A.
Other names: c.2673C>T, p.His891= (NM_001389684.1, NM_001389685.1, NM_005895.4 and 1 more transcripts); c.2553C>T, p.His851= (NM_001389686.1, NM_001389687.1, NM_001389688.1); c.2400C>T, p.His800= (NM_001389689.1).
Identifiers: ClinVar variation 2643658 (VCV002643658.24), dbSNP rs80194721, ClinGen allele CA6896855.

ClinVar aggregate classification (germline): Likely benign (1 of 4 stars; one submission).

Allele frequency attached by ClinVar (database versions not stated): 1000 Genomes Project 0.00060; 1000 Genomes Project 30x 0.00062; ESP Exome Variant Server 0.00077; TOPMed 0.00087; gnomAD 0.00088; ExAC 0.00130.
gnomAD v4.1: 2,079 of 1,612,182 alleles (0.13%); highest among the groups gnomAD compares: Non-Finnish European, 0.16%; 5 homozygotes.

Submission:

CeGaT Center for Human Genetics Tuebingen
Classification: Likely benign. Last evaluated: 2023-04-01. Review status: criteria provided, single submitter. Criteria: CeGaT Center For Human Genetics Tuebingen Variant Classification Criteria Version 2. Collection method: clinical testing. Allele origin: germline. Affected: yes. Observed: 1 variant allele.
Comment: GOLGA3: BP4, BP7